The following is an entry in ClinVar:

NM_004181.5(UCHL1):c.341T>A (p.Leu114Gln)

Gene: UCHL1 (ubiquitin C-terminal hydrolase L1; plus strand). Cytogenetic location: 4p13.
Variant type: single nucleotide variant.
Coding change: c.341T>A on transcript NM_004181.5 (MANE Select); coding-DNA position 341, T replaced by A.
Protein change: p.Leu114Gln; replaces leucine 114 with glutamine.
Molecular consequence: missense variant.
Genome position (GRCh38, 1-based): chr4:41,261,730, T>A. VCF-style: chr4-41261730-T-A. GRCh37 (hg19) VCF-style: chr4-41263747-T-A.
Other names: short protein forms L114Q.
Identifiers: ClinVar variation 2637556 (VCV002637556.1), dbSNP rs2551922687, ClinGen allele CA356732785.

ClinVar aggregate classification (germline): Uncertain significance (1 of 4 stars; one submission).

Submission:

Women's Health and Genetics/Laboratory Corporation of America, LabCorp
Classification: Uncertain significance. Last evaluated: 2023-10-30. Review status: criteria provided, single submitter. Criteria: LabCorp Variant Classification Summary - May 2015. Collection method: clinical testing. Allele origin: germline.
Comment: Variant summary: UCHL1 c.341T>A (p.Leu114Gln) results in a non-conservative amino acid change located in the Peptidase C12, ubiquitin carboxyl-terminal hydrolase (IPR001578) of the encoded protein sequence. Five of five in-silico tools predict a damaging effect of the variant on protein function. The variant was absent in 250840 control chromosomes (gnomAD). The available data on variant occurrences in the general population are insufficient to allow any conclusion about variant significance. To our knowledge, no occurrence of c.341T>A in individuals affected with Spastic Paraplegia 79 and no experimental evidence demonstrating its impact on protein function have been reported. No submitters have cited clinical-significance assessments for this variant to ClinVar after 2014. Based on the evidence outlined above, the variant was classified as uncertain significance.